The following is an entry in ClinVar:

ClinVar aggregate classification (germline): Uncertain significance (1 of 4 stars; one submission).

Conditions:
Epidermolysis bullosa simplex with nail dystrophy (EBS5D). Identifiers: MedGen C4225309, MONDO:0014661, OMIM 616487.
Epidermolysis bullosa simplex, Ogna type (EBS5A). Also called: Pidermolysis bullosa simplex 5A, Ogna type; EPIDERMOLYSIS BULLOSA SIMPLEX 5A, OGNA TYPE. Identifiers: Orphanet 79401, MedGen C0432317, MONDO:0007555, OMIM 131950.
Autosomal recessive limb-girdle muscular dystrophy type 2Q (LGMDR17). Also called: MUSCULAR DYSTROPHY, LIMB-GIRDLE, AUTOSOMAL RECESSIVE 17. Identifiers: Orphanet 254361, MedGen C3150989, MONDO:0013390, OMIM 613723.
Epidermolysis bullosa simplex 5B, with muscular dystrophy (EBS5B). Also called: EPIDERMOLYSIS BULLOSA SIMPLEX AND LIMB-GIRDLE MUSCULAR DYSTROPHY; Epidermolysis bullosa simplex with muscular dystrophy. Identifiers: Orphanet 257, MedGen C2931072, MONDO:0009181, OMIM 226670.
Epidermolysis bullosa simplex 5C, with pyloric atresia (EBS5C). Also called: PLEC-Related Epidermolysis Bullosa with Pyloric Atresia; Epidermolysis bullosa simplex with pyloric atresia; PLEC1-Related Epidermolysis Bullosa with Pyloric Atresia. Identifiers: Orphanet 158684, MedGen C2677349, MONDO:0012807, OMIM 612138.

Submission:

Labcorp Genetics (formerly Invitae), Labcorp
Classification: Uncertain significance for Autosomal recessive limb-girdle muscular dystrophy type 2Q; Epidermolysis bullosa simplex, Ogna type; Epidermolysis bullosa simplex with nail dystrophy; Epidermolysis bullosa simplex 5C, with pyloric atresia; Epidermolysis bullosa simplex 5B, with muscular dystrophy. Last evaluated: 2023-05-19. Review status: criteria provided, single submitter. Criteria: Invitae Variant Classification Sherloc (09022015). Collection method: clinical testing. Allele origin: germline.
Comment: This variant is not present in population databases (gnomAD no frequency). This sequence change replaces glycine, which is neutral and non-polar, with aspartic acid, which is acidic and polar, at codon 4309 of the PLEC protein (p.Gly4309Asp). In summary, the available evidence is currently insufficient to determine the role of this variant in disease. Therefore, it has been classified as a Variant of Uncertain Significance. Advanced modeling of protein sequence and biophysical properties (such as structural, functional, and spatial information, amino acid conservation, physicochemical variation, residue mobility, and thermodynamic stability) performed at Invitae indicates that this missense variant is not expected to disrupt PLEC protein function. This variant has not been reported in the literature in individuals affected with PLEC-related conditions.

NM_201384.3(PLEC):c.12845G>A (p.Gly4282Asp)

Gene: PLEC (plectin; minus strand). Cytogenetic location: 8q24.3.
Variant type: single nucleotide variant.
Coding change: c.12845G>A on transcript NM_201384.3 (MANE Select); coding-DNA position 12845, G replaced by A.
Protein change: p.Gly4282Asp; replaces glycine 4282 with aspartic acid.
Molecular consequence: missense variant.
Genome position (GRCh38, 1-based): chr8:143,916,976, C>T on the plus strand (G>A on the coding strand, the complement: PLEC is on the minus strand). VCF-style: chr8-143916976-C-T. GRCh37 (hg19) VCF-style: chr8-144991144-C-T.
Other names: c.12749G>A, p.Gly4250Asp (NM_201381.3); c.12845G>A, p.Gly4282Asp (NM_201382.4); c.12857G>A, p.Gly4286Asp (NM_201383.3); c.12779G>A, p.Gly4260Asp (NM_201379.3); c.13256G>A, p.Gly4419Asp (NM_201380.4); c.12926G>A, p.Gly4309Asp (NM_000445.5); c.9545G>A, p.Gly3182Asp (NM_001410941.1); c.12803G>A, p.Gly4268Asp (NM_201378.4); short protein forms G4260D, G4268D, G4309D, G3182D, G4282D, G4286D, G4419D, G4250D.
Identifiers: ClinVar variation 2947593 (VCV002947593.3), dbSNP rs868938061, ClinGen allele CA372478438.
Genomic context (GRCh38, chr8:143,916,976, plus strand): 5'-AGGTTCCGGTGCATGGCCTCGGTGATGGACACCTTCTCCAGCGTCTCCGTGTCCAGGATG[C>T]CAGCCACGGGGCCCGTCTCCTCAGTGGGGTCTGACCAGGAGGCCAGCTGGGTCCTGGAGA-3'
Protein context (NP_958786.1, residues 4272-4292): DPTEETGPVA[Gly4282Asp]ILDTETLEKV